The following is an entry in ClinVar:

ClinVar aggregate classification (germline): Pathogenic (1 of 4 stars; one submission).

Submission:

GeneDx
Classification: Pathogenic. Last evaluated: 2018-08-03. Review status: criteria provided, single submitter. Criteria: GeneDx Variant Classification (06012015). Collection method: clinical testing. Allele origin: germline. Affected: yes.
Comment: The c.1750delA pathogenic variant in the NAA15 gene causes a frameshift starting with codon Threonine 584, changes this amino acid to a Glutamine residue and creates a premature Stop codon at position 9 of the new reading frame, denoted p.Thr584GlnfsX9. This pathogenic variant is predicted to cause loss of normal protein function either through protein truncation or nonsense-mediated mRNA decay. Furthermore, the c.1750delA variant is not observed in large population cohorts (Lek et al., 2016).

NM_057175.5(NAA15):c.1750del (p.Thr584fs)

Gene: NAA15 (N-alpha-acetyltransferase 15, NatA auxiliary subunit; plus strand). Cytogenetic location: 4q31.1.
Variant type: Deletion.
Coding change: c.1750del on transcript NM_057175.5 (MANE Select); coding-DNA position 1750, one base deleted (A; older notation c.1750delA).
Protein change: p.Thr584fs; shifts the reading frame from threonine 584.
Molecular consequence: frameshift variant.
Genome position (GRCh38, 1-based): chr4:139,361,934, A deleted. VCF-style (leftmost placement, unchanged base first): chr4-139361933-TA-T. GRCh37 (hg19) VCF-style: chr4-140283087-TA-T.
Other names: short protein forms T584fs.
Identifiers: ClinVar variation 817754 (VCV000817754.1), dbSNP rs1579123915, ClinGen allele CA915943212.